The following is an entry in ClinVar:

ClinVar aggregate classification (germline): Conflicting classifications of pathogenicity. Review status: criteria provided, conflicting classifications (1 of 4 stars). 2 submissions from 2 submitters: Likely pathogenic (1); Uncertain significance (1). Last evaluated 2021-01-18.

Conditions:
Global developmental delay (DD). Also called: Cognitive delay. Identifiers: MedGen C0557874, HP:0001263. Disease mechanism: loss of function.
Seizure. Also called: Seizures. Identifiers: MedGen C0036572, HP:0001250.
Intellectual disability. Also called: Intellectual functioning disability; intellectual disabilities; Intellectual developmental disorder. Identifiers: MedGen C3714756, MeSH D008607, MONDO:0001071, HP:0001249.

Submissions (2):

Institute for Human Genetics, University Hospital Essen
Classification: Likely pathogenic for Global developmental delay; Intellectual disability; Seizure. Last evaluated: 2021-01-18. Review status: criteria provided, single submitter. Criteria: ACMG Guidelines, 2015. Collection method: clinical testing. Allele origin: de novo. Affected: yes.

GeneDx
Classification: Uncertain significance. Last evaluated: 2019-08-11. Review status: criteria provided, single submitter. Criteria: GeneDx Variant Classification Process June 2021. Collection method: clinical testing. Allele origin: germline. Affected: yes.
Comment: Has not been previously published as pathogenic or benign to our knowledge; Variants in candidate genes are classified as variants of uncertain significance in accordance with ACMG guidelines (Richards et al., 2015); Not observed in large population cohorts (Lek et al., 2016); In silico analysis, which includes splice predictors and evolutionary conservation, supports a deleterious effect; This variant is associated with the following publications: (PMID: 33944996)

Literature cited by the submitters: PubMed 33944996 (cited by Institute for Human Genetics, University Hospital Essen).

NM_015557.3(CHD5):c.4079-3C>G

Gene: CHD5 (chromodomain helicase DNA binding protein 5; minus strand). Cytogenetic location: 1p36.31.
Variant type: single nucleotide variant.
Coding change: c.4079-3C>G on transcript NM_015557.3 (MANE Select); 3 bases into the intron before coding-DNA position 4079, C replaced by G.
Molecular consequence: intron variant.
Genome position (GRCh38, 1-based): chr1:6,125,861, G>C on the plus strand (C>G on the coding strand, the complement: CHD5 is on the minus strand). VCF-style: chr1-6125861-G-C. GRCh37 (hg19) VCF-style: chr1-6185921-G-C.
Identifiers: ClinVar variation 995785 (VCV000995785.4), dbSNP rs1434726192, ClinGen allele CA2499214825.
Genomic context (GRCh38, chr1:6,125,861, plus strand): 5'-TCATCCTCAGAGCCAATGGAATATTCTGACTGGTTATCAGAGAGCTCATCCTGCCACTCT[G>C]CAGGGGGCCAGACAGAGGGGCACGGAGTGAGCTGTACAAGCAAAGCCCACCCTCAAGTTC-3'